The following is an entry in ClinVar:

ClinVar aggregate classification (germline): Uncertain significance (1 of 4 stars; one submission).

gnomAD v4.1: 1 of 1,614,152 alleles (0.000062%); no homozygotes.

Submission:

Labcorp Genetics (formerly Invitae), Labcorp
Classification: Uncertain significance. Last evaluated: 2020-10-16. Review status: criteria provided, single submitter. Criteria: Invitae Variant Classification Sherloc (09022015). Collection method: clinical testing. Allele origin: germline.
Comment: In summary, the available evidence is currently insufficient to determine the role of this variant in disease. Therefore, it has been classified as a Variant of Uncertain Significance. Algorithms developed to predict the effect of missense changes on protein structure and function are either unavailable or do not agree on the potential impact of this missense change (SIFT: "Tolerated"; PolyPhen-2: "Possibly Damaging"; Align-GVGD: "Class C0"). This variant has not been reported in the literature in individuals with A2ML1-related conditions. This variant is not present in population databases (ExAC no frequency). This sequence change replaces alanine with glutamic acid at codon 17 of the A2ML1 protein (p.Ala17Glu). The alanine residue is weakly conserved and there is a moderate physicochemical difference between alanine and glutamic acid.

NM_144670.6(A2ML1):c.50C>A (p.Ala17Glu)

Genes: A2ML1 (alpha-2-macroglobulin like 1; plus strand), A2ML1-AS1 (A2ML1 antisense RNA 1; minus strand). Cytogenetic location: 12p13.31.
Variant type: single nucleotide variant.
Coding change: c.50C>A on transcript NM_144670.6 (MANE Select); coding-DNA position 50, C replaced by A.
Protein change: p.Ala17Glu; replaces alanine 17 with glutamic acid.
Molecular consequence: missense variant.
Genome position (GRCh38, 1-based): chr12:8,822,701, C>A. VCF-style: chr12-8822701-C-A. GRCh37 (hg19) VCF-style: chr12-8975297-C-A.
Other names: short protein forms A17E.
Identifiers: ClinVar variation 1063512 (VCV001063512.9), dbSNP rs1391269221, ClinGen allele CA383816562.